The following is an entry in ClinVar:

NM_000052.7(ATP7A):c.338_339del (p.Val113fs)

Gene: ATP7A (ATPase copper transporting alpha; plus strand). Cytogenetic location: Xq21.1.
Variant type: Microsatellite.
Coding change: c.338_339del on transcript NM_000052.7 (MANE Select); coding-DNA positions 338 to 339, 2 bases deleted (TG; older notation c.338_339delTG).
Protein change: p.Val113fs; shifts the reading frame from valine 113.
Molecular consequence: frameshift variant.
Genome position (GRCh38, 1-based): chrX:77,988,459-77,988,460, TG deleted; deleting any 2 consecutive bases within chrX:77,988,456-77,988,460 gives the same sequence; the c. name uses the placement nearest the transcript's 3' end. VCF-style (leftmost placement, unchanged base first): chrX-77988455-GGT-G. GRCh37 (hg19) VCF-style: chrX-77243951-GGT-G.
Other names: c.338_339del, p.Val113fs (NM_001282224.2); short protein forms V113fs.
Identifiers: ClinVar variation 1724000 (VCV001724000.3), dbSNP rs2522289608, ClinGen allele CA2580612382.

ClinVar aggregate classification (germline): Likely pathogenic (1 of 4 stars; one submission).

Conditions:
Menkes kinky-hair syndrome (MNK). Also called: Copper transport disease; Classic Menkes Disease; Menkes Disease. Identifiers: Orphanet 565, MedGen C0022716, MONDO:0010651, OMIM 309400.

Submission:

Myriad Genetics, Inc.
Classification: Likely pathogenic for Menkes kinky-hair syndrome. Last evaluated: 2022-01-23. Review status: criteria provided, single submitter. Criteria: Myriad Autosomal Dominant, Autosomal Recessive and X-Linked Classification Criteria (2023). Collection method: clinical testing. Allele origin: unknown.
Comment: NM_000052.5(ATP7A):c.338_339delTG(V113Dfs*4) is expected to be pathogenic in the context of ATP7A-related disorders. This variant is predicted to lead to an abnormal or absent protein product due to the creation of a premature termination codon in ATP7A, a gene where loss-of-function variants are known to be pathogenic. Please note: this variant was assessed in the context of healthy population screening.